The following is an entry in ClinVar:

ClinVar aggregate classification (germline): Uncertain significance (1 of 4 stars; one submission).

Conditions:
CCM2-related disorder. Also called: CCM2-related condition.

gnomAD v4.1: 9 of 1,613,554 alleles (0.00056%); highest among the groups gnomAD compares: African/African-American, 0.0013%; no homozygotes.

Submission:

PreventionGenetics, part of Exact Sciences
Classification: Uncertain significance for CCM2-related condition. Last evaluated: 2025-07-31. Review status: criteria provided, single submitter. Criteria: ACMG Guidelines, 2015. Collection method: clinical testing. Allele origin: germline.
Comment: The CCM2 c.1133G>A variant is predicted to result in the amino acid substitution p.Arg378His. To our knowledge, this variant has not been reported in the literature. This variant is reported in 0.0040% of alleles in individuals of African descent in gnomAD. At this time, the clinical significance of this variant is uncertain due to the absence of conclusive functional and genetic evidence.

NM_031443.4(CCM2):c.1133G>A (p.Arg378His)

Gene: CCM2 (CCM2 scaffold protein; plus strand). Cytogenetic location: 7p13.
Variant type: single nucleotide variant.
Coding change: c.1133G>A on transcript NM_031443.4 (MANE Select); coding-DNA position 1133, G replaced by A.
Protein change: p.Arg378His; replaces arginine 378 with histidine.
Molecular consequence: missense variant. On other transcripts: non-coding transcript variant (1).
Genome position (GRCh38, 1-based): chr7:45,075,855, G>A. VCF-style: chr7-45075855-G-A. GRCh37 (hg19) VCF-style: chr7-45115454-G-A.
Other names: c.1196G>A, p.Arg399His (NM_001029835.2); c.959G>A, p.Arg320His (NM_001167934.2); c.860G>A, p.Arg287His (NM_001167935.2); c.1256G>A, p.Arg419His (NM_001363458.2); c.1082G>A, p.Arg361His (NM_001363459.2); short protein forms R287H, R320H, R361H, R399H, R378H, R419H.
Identifiers: ClinVar variation 4987981 (VCV004987981.1).